The following is an entry in ClinVar:

t(3;11)(q27;p11.2)

Variant type: Translocation.
Identifiers: ClinVar variation 986755 (VCV000986755.1).

ClinVar aggregate classification (germline): Pathogenic (0 of 4 stars; one submission).

Conditions:
Anophthalmia/microphthalmia-esophageal atresia syndrome (MCOPS3). Also called: MICROPHTHALMIA AND ESOPHAGEAL ATRESIA SYNDROME; AEG SYNDROME; SOX2 Disorder. Identifiers: Orphanet 77298, MedGen C1859773, MONDO:0008799, OMIM 206900.

Submission:

Anophthalmia/Microphthalmia Research Registry, Einstein Medical Center Philadelphia
Classification: Pathogenic for Anophthalmia/microphthalmia-esophageal atresia syndrome. Review status: no assertion criteria provided. Collection method: research. Allele origin: germline. Inheritance: Autosomal dominant inheritance. Affected: yes. Observed: 1 variant allele. Segregation with disease not observed.